The following is an entry in ClinVar:

ClinVar aggregate classification (germline): Uncertain significance (1 of 4 stars; one submission).

Conditions:
Hereditary spastic paraplegia 3A (SPG3A). Also called: SPASTIC PARAPLEGIA 3, AUTOSOMAL DOMINANT; FAMILIAL SPASTIC PARAPLEGIA, AUTOSOMAL DOMINANT, 1; SPG3; STRUMPELL DISEASE; Spastic Paraplegia 3A; Spastic paraplegia 3A, autosomal dominant. Identifiers: Orphanet 100984, MedGen C2931355, MONDO:0008437, OMIM 182600.

Allele frequency attached by ClinVar (database versions not stated): gnomAD exomes below 0.00001 and 0.00001; ExAC 0.00002.
gnomAD v4.1: 2 of 1,607,288 alleles (0.00012%); highest among the groups gnomAD compares: East Asian, 0.0022%; no homozygotes.

Submission:

Labcorp Genetics (formerly Invitae), Labcorp
Classification: Uncertain significance for Hereditary spastic paraplegia 3A. Last evaluated: 2024-08-11. Review status: criteria provided, single submitter. Criteria: Invitae Variant Classification Sherloc (09022015). Collection method: clinical testing. Allele origin: germline.
Comment: This sequence change replaces valine, which is neutral and non-polar, with isoleucine, which is neutral and non-polar, at codon 182 of the ATL1 protein (p.Val182Ile). This variant is present in population databases (rs755214274, gnomAD 0.01%). This variant has not been reported in the literature in individuals affected with ATL1-related conditions. ClinVar contains an entry for this variant (Variation ID: 1399381). Advanced modeling of protein sequence and biophysical properties (such as structural, functional, and spatial information, amino acid conservation, physicochemical variation, residue mobility, and thermodynamic stability) performed at Invitae indicates that this missense variant is not expected to disrupt ATL1 protein function with a negative predictive value of 95%. In summary, the available evidence is currently insufficient to determine the role of this variant in disease. Therefore, it has been classified as a Variant of Uncertain Significance.

NM_015915.5(ATL1):c.544G>A (p.Val182Ile)

Gene: ATL1 (atlastin GTPase 1; plus strand). Cytogenetic location: 14q22.1.
Variant type: single nucleotide variant.
Coding change: c.544G>A on transcript NM_015915.5 (MANE Select); coding-DNA position 544, G replaced by A.
Protein change: p.Val182Ile; replaces valine 182 with isoleucine.
Molecular consequence: missense variant.
Genome position (GRCh38, 1-based): chr14:50,593,867, G>A. VCF-style: chr14-50593867-G-A. GRCh37 (hg19) VCF-style: chr14-51060585-G-A.
Other names: c.544G>A, p.Val182Ile (NM_001127713.1, NM_181598.4); short protein forms V182I.
Identifiers: ClinVar variation 1399381 (VCV001399381.9), dbSNP rs755214274, ClinGen allele CA7180263.
Genomic context (GRCh38, chr14:50,593,867, plus strand): 5'-CCAGTTATCTTATCATTGTAATTTTATTTCTTTATCAAGGTATATAACTTATCCCAAAAT[G>A]TCCAGGAGGATGATCTTCAGCACCTCCAGGTAACAATATTTATTTTCTTTTTTGTGTATC-3'
Protein context (NP_056999.2, residues 172-192): SIQVYNLSQN[Val182Ile]QEDDLQHLQL